The following is an entry in ClinVar:

NM_001042492.3(NF1):c.7314del (p.Tyr2438_Leu2439insTer)

Gene: NF1 (neurofibromin 1; plus strand). Cytogenetic location: 17q11.2.
Variant type: Deletion.
Coding change: c.7314del on transcript NM_001042492.3 (MANE Select); coding-DNA position 7314, one base deleted (C; older notation c.7314delC).
Protein change: p.Tyr2438_Leu2439insTer.
Molecular consequence: frameshift variant. On other transcripts: nonsense (1).
Genome position (GRCh38, 1-based): chr17:31,349,244, C deleted. VCF-style (leftmost placement, unchanged base first): chr17-31349243-AC-A. GRCh37 (hg19) VCF-style: chr17-29676261-AC-A.
Other names: c.7251delC, p.Leu2418Terfs (NM_000267.4).
Identifiers: ClinVar variation 2748930 (VCV002748930.3), dbSNP rs2508801805, ClinGen allele CA2697559580.
Genomic context (GRCh38, chr17:31,349,243, plus strand): 5'-CTCTGGTTAACAAACACAGAAATTGTGACAAATTTGAAGTGAATACACAGAGCGTGGCCT[AC>A]TTAGCAGGTAAAAACACAAAATAAACAAAATTAATCTTGCTACATCTATATATAAGGATC-3'

ClinVar aggregate classification (germline): Pathogenic (1 of 4 stars; one submission).

Conditions:
Neurofibromatosis, type 1 (NF1). Also called: Peripheral type neurofibromatosis; NEUROFIBROMATOSIS, TYPE I, SOMATIC; VON RECKLINGHAUSEN DISEASE; Neurofibromatosis, type I. Identifiers: Orphanet 636, MedGen C0027831, MONDO:0018975, OMIM 162200. Disease mechanism: loss of function.

Submission:

Labcorp Genetics (formerly Invitae), Labcorp
Classification: Pathogenic for Neurofibromatosis, type 1. Last evaluated: 2023-08-01. Review status: criteria provided, single submitter. Criteria: Invitae Variant Classification Sherloc (09022015). Collection method: clinical testing. Allele origin: germline.
Comment: This sequence change creates a premature translational stop signal (p.Leu2418*) in the NF1 gene. It is expected to result in an absent or disrupted protein product. Loss-of-function variants in NF1 are known to be pathogenic (PMID: 10712197, 23913538). This variant is not present in population databases (gnomAD no frequency). This premature translational stop signal has been observed in individual(s) with neurofibromatosis type 1 (PMID: 27838393). For these reasons, this variant has been classified as Pathogenic.

Literature cited by the submitters: PubMed 10712197; PubMed 23913538; PubMed 27838393.